The following is an entry in ClinVar:

ClinVar aggregate classification (germline): Uncertain significance (1 of 4 stars; one submission).

Conditions:
Hereditary cancer-predisposing syndrome. Also called: Hereditary Cancer Syndrome; Hereditary neoplastic syndrome; Neoplastic Syndromes, Hereditary; Tumor predisposition. Identifiers: Orphanet 140162, MedGen C0027672, MeSH D009386, MONDO:0015356.

Submission:

Ambry Genetics
Classification: Uncertain significance for Hereditary cancer-predisposing syndrome. Last evaluated: 2022-08-23. Review status: criteria provided, single submitter. Criteria: Ambry Variant Classification Scheme 2023. Collection method: clinical testing. Allele origin: germline.
Comment: The p.Q430K variant (also known as c.1288C>A), located in coding exon 10 of the NBN gene, results from a C to A substitution at nucleotide position 1288. The glutamine at codon 430 is replaced by lysine, an amino acid with similar properties. This amino acid position is conserved. In addition, this alteration is predicted to be tolerated by in silico analysis. Since supporting evidence is limited at this time, the clinical significance of this alteration remains unclear.

NM_002485.5(NBN):c.1288C>A (p.Gln430Lys)

Gene: NBN (nibrin; minus strand). Cytogenetic location: 8q21.3.
Variant type: single nucleotide variant.
Coding change: c.1288C>A on transcript NM_002485.5 (MANE Select); coding-DNA position 1288, C replaced by A.
Protein change: p.Gln430Lys; replaces glutamine 430 with lysine.
Molecular consequence: missense variant.
Genome position (GRCh38, 1-based): chr8:89,955,392, G>T on the plus strand (C>A on the coding strand, the complement: NBN is on the minus strand). VCF-style: chr8-89955392-G-T. GRCh37 (hg19) VCF-style: chr8-90967620-G-T.
Other names: c.1042C>A, p.Gln348Lys (NM_001024688.3); short protein forms Q348K, Q430K.
Identifiers: ClinVar variation 1769014 (VCV001769014.2), dbSNP rs2488243594, ClinGen allele CA371656189.